The following is an entry in ClinVar:

NM_001374736.1(DST):c.17397A>C (p.Gln5799His)

Gene: DST (dystonin; minus strand). Cytogenetic location: 6p12.1.
Variant type: single nucleotide variant.
Coding change: c.17397A>C on transcript NM_001374736.1 (MANE Select); coding-DNA position 17397, A replaced by C.
Protein change: p.Gln5799His; replaces glutamine 5799 with histidine.
Molecular consequence: missense variant. On other transcripts: intron variant (2).
Genome position (GRCh38, 1-based): chr6:56,529,646, T>G on the plus strand (A>C on the coding strand, the complement: DST is on the minus strand). VCF-style: chr6-56529646-T-G. GRCh37 (hg19) VCF-style: chr6-56394444-T-G.
Other names: c.11040A>C, p.Gln3680His (NM_001144769.5); c.10626A>C, p.Gln3542His (NM_001144770.2); c.17397A>C, p.Gln5799His (NM_001374722.1); c.17424A>C, p.Gln5808His (NM_001374734.1); c.10506A>C, p.Gln3502His (NM_001386100.1, NM_183380.4); c.9528A>C, p.Gln3176His (NM_015548.5); c.10377+328A>C (NM_001374730.1); c.16635+328A>C (NM_001374729.1); short protein forms Q3502H, Q3680H, Q3176H, Q5799H, Q5808H, Q3542H.
Identifiers: ClinVar variation 1372148 (VCV001372148.6), dbSNP rs2152511624, ClinGen allele CA364508487.

ClinVar aggregate classification (germline): Uncertain significance (1 of 4 stars; one submission).

Conditions:
Epidermolysis bullosa simplex 3, localized or generalized intermediate, with BP230 deficiency (EBS3). Also called: Epidermolysis bullosa simplex due to BP230 deficiency; Epidermolysis bullosa simplex, autosomal recessive 2. Identifiers: Orphanet 412181, MedGen C3809470, MONDO:0014180, OMIM 615425.
Hereditary sensory and autonomic neuropathy type 6. Also called: HSAN VI; Neuropathy, hereditary sensory and autonomic, type VI. Identifiers: Orphanet 314381, MedGen C3539003, MONDO:0013839, OMIM 614653.

gnomAD v4.1: 2 of 1,613,814 alleles (0.00012%); highest among the groups gnomAD compares: Non-Finnish European, 0.00017%; no homozygotes.

Submission:

Labcorp Genetics (formerly Invitae), Labcorp
Classification: Uncertain significance for Epidermolysis bullosa simplex 3, localized or generalized intermediate, with BP230 deficiency; Hereditary sensory and autonomic neuropathy type 6. Last evaluated: 2021-08-03. Review status: criteria provided, single submitter. Criteria: Invitae Variant Classification Sherloc (09022015). Collection method: clinical testing. Allele origin: germline.
Comment: This variant is not present in population databases (ExAC no frequency). This sequence change replaces glutamine with histidine at codon 3176 of the DST protein (p.Gln3176His). The DST gene has multiple clinically relevant transcripts. This variant occurs in alternate transcript NM_015548.4, and corresponds to NM_001723.5:c.*85871A>C in the primary transcript. This variant has not been reported in the literature in individuals affected with DST-related conditions. In summary, the available evidence is currently insufficient to determine the role of this variant in disease. Therefore, it has been classified as a Variant of Uncertain Significance. Experimental studies and prediction algorithms are not available or were not evaluated, and the functional significance of this variant is currently unknown.